The following is an entry in ClinVar:

NM_002769.5(PRSS1):c.539C>G (p.Thr180Ser)

Genes: TRB (T cell receptor beta locus; plus strand), PRSS1 (serine protease 1; plus strand). Cytogenetic location: 7q34.
Variant type: single nucleotide variant.
Coding change: c.539C>G on transcript NM_002769.5 (MANE Select); coding-DNA position 539, C replaced by G.
Protein change: p.Thr180Ser; replaces threonine 180 with serine.
Molecular consequence: missense variant. On other transcripts: non-coding transcript variant (5).
Genome position (GRCh38, 1-based): chr7:142,752,515, C>G. VCF-style: chr7-142752515-C-G. GRCh37 (hg19) VCF-style: chr7-142460366-C-G.
Other names: short protein forms T180S.
Identifiers: ClinVar variation 2127632 (VCV002127632.4), dbSNP rs745420768, ClinGen allele CA369610300.

ClinVar aggregate classification (germline): Uncertain significance (1 of 4 stars; one submission).

Conditions:
Hereditary pancreatitis (PCTT). Also called: PRSS1-Related Hereditary Pancreatitis; Hereditary chronic pancreatitis. Identifiers: Orphanet 676, MedGen C0238339, MONDO:0008185, OMIM 167800.

Submission:

Labcorp Genetics (formerly Invitae), Labcorp
Classification: Uncertain significance for Hereditary pancreatitis. Last evaluated: 2022-04-18. Review status: criteria provided, single submitter. Criteria: Invitae Variant Classification Sherloc (09022015). Collection method: clinical testing. Allele origin: germline.
Comment: This variant is not present in population databases (gnomAD no frequency). This sequence change replaces threonine, which is neutral and polar, with serine, which is neutral and polar, at codon 180 of the PRSS1 protein (p.Thr180Ser). This variant has not been reported in the literature in individuals affected with PRSS1-related conditions. Algorithms developed to predict the effect of missense changes on protein structure and function (SIFT, PolyPhen-2, Align-GVGD) all suggest that this variant is likely to be tolerated. In summary, the available evidence is currently insufficient to determine the role of this variant in disease. Therefore, it has been classified as a Variant of Uncertain Significance.